The following is an entry in ClinVar:

NM_015932.6(POMP):c.298C>G (p.Leu100Val)

Gene: POMP (proteasome maturation protein; plus strand). Cytogenetic location: 13q12.3.
Variant type: single nucleotide variant.
Coding change: c.298C>G on transcript NM_015932.6 (MANE Select); coding-DNA position 298, C replaced by G.
Protein change: p.Leu100Val; replaces leucine 100 with valine.
Molecular consequence: missense variant.
Genome position (GRCh38, 1-based): chr13:28,672,372, C>G. VCF-style: chr13-28672372-C-G. GRCh37 (hg19) VCF-style: chr13-29246509-C-G.
Other names: short protein forms L100V.
Identifiers: ClinVar variation 4772746 (VCV004772746.1).

ClinVar aggregate classification (germline): Uncertain significance (1 of 4 stars; one submission).

Submission:

Labcorp Genetics (formerly Invitae), Labcorp
Classification: Uncertain significance. Last evaluated: 2025-08-15. Review status: criteria provided, single submitter. Criteria: Invitae Variant Classification Sherloc (09022015). Collection method: clinical testing. Allele origin: germline.
Comment: This sequence change replaces leucine, which is neutral and non-polar, with valine, which is neutral and non-polar, at codon 100 of the POMP protein (p.Leu100Val). This variant is not present in population databases (gnomAD no frequency). This variant has not been reported in the literature in individuals affected with POMP-related conditions. An algorithm developed to predict the effect of missense changes on protein structure and function (PolyPhen-2) suggests that this variant is likely to be tolerated. In summary, the available evidence is currently insufficient to determine the role of this variant in disease. Therefore, it has been classified as a Variant of Uncertain Significance.